The following is an entry in ClinVar:

ClinVar aggregate classification (germline): Likely pathogenic (1 of 4 stars; one submission).

Submission:

GeneDx
Classification: Likely pathogenic. Last evaluated: 2016-07-22. Review status: criteria provided, single submitter. Criteria: GeneDx Variant Classification (06012015). Collection method: clinical testing. Allele origin: germline. Affected: yes.
Comment: The r.381 G>A variant that is likely pathogenic has not been published as a pathogenic variant, nor has it been reported as a benign variant to our knowledge. The r.381 G>A variant was not observed in approximately 2,800 individuals of European and African American ancestry in the NHLBI Exome Sequencing Project, indicating it is not a common benign variant in these populations. This substitution occurs at a position that is highly conserved across species. In addition, a pathogenic variant in a neighboring position (r.377 A>G) has been reported in association with a TERC-related disorder (Vulliamy et al., 2011). Therefore, this variant is a strong candidate for a pathogenic variant, however the possibility that it is a benign variant cannot be excluded.

NR_001566.3(TERC):n.381G>A

Gene: TERC (telomerase RNA component; minus strand). Cytogenetic location: 3q26.2.
Variant type: single nucleotide variant.
Genome position: GRCh38 VCF-style: chr3-169764680-C-T. GRCh37 (hg19) VCF-style: chr3-169482468-C-T.
Identifiers: ClinVar variation 265266 (VCV000265266.1), dbSNP rs886039437, ClinGen allele CA10588351.